The following is an entry in ClinVar:

NM_000393.5(COL5A2):c.3608G>A (p.Gly1203Asp)

Gene: COL5A2 (collagen type V alpha 2 chain; minus strand). Cytogenetic location: 2q32.2.
Variant type: single nucleotide variant.
Coding change: c.3608G>A on transcript NM_000393.5 (MANE Select); coding-DNA position 3608, G replaced by A.
Protein change: p.Gly1203Asp; replaces glycine 1203 with aspartic acid.
Molecular consequence: missense variant.
Genome position (GRCh38, 1-based): chr2:189,041,611, C>T on the plus strand (G>A on the coding strand, the complement: COL5A2 is on the minus strand). VCF-style: chr2-189041611-C-T. GRCh37 (hg19) VCF-style: chr2-189906337-C-T.
Other names: short protein forms G1203D.
Identifiers: ClinVar variation 639856 (VCV000639856.8), dbSNP rs1576488066, ClinGen allele CA349859621.

ClinVar aggregate classification (germline): Uncertain significance (1 of 4 stars; one submission).

Conditions:
Ehlers-Danlos syndrome, classic type, 1 (EDSCL1). Also called: EDS I; EHLERS-DANLOS SYNDROME, GRAVIS TYPE; EHLERS-DANLOS SYNDROME, SEVERE CLASSIC TYPE; Ehlers-Danlos Syndrome, Classic Type, COL5A1-Related; Ehlers-Danlos syndrome, type 1. Identifiers: MedGen C0268335, MONDO:0019567, OMIM 130000.

Submission:

Labcorp Genetics (formerly Invitae), Labcorp
Classification: Uncertain significance for Ehlers-Danlos syndrome, classic type, 1. Last evaluated: 2021-02-03. Review status: criteria provided, single submitter. Criteria: Invitae Variant Classification Sherloc (09022015). Collection method: clinical testing. Allele origin: germline.
Comment: In summary, the available evidence is currently insufficient to determine the role of this variant in disease. Therefore, it has been classified as a Variant of Uncertain Significance. Algorithms developed to predict the effect of missense changes on protein structure and function (SIFT, PolyPhen-2, Align-GVGD) all suggest that this variant is likely to be disruptive, but these predictions have not been confirmed by published functional studies and their clinical significance is uncertain. This variant has not been reported in the literature in individuals with COL5A2-related conditions. ClinVar contains an entry for this variant (Variation ID: 639856). This variant is not present in population databases (ExAC no frequency). This sequence change replaces glycine with aspartic acid at codon 1203 of the COL5A2 protein (p.Gly1203Asp). The glycine residue is highly conserved and there is a moderate physicochemical difference between glycine and aspartic acid.